The following is an entry in ClinVar:

NM_001378454.1(ALMS1):c.9231G>A (p.Ala3077=)

Gene: ALMS1 (ALMS1 centrosome and basal body associated protein; plus strand). Cytogenetic location: 2p13.1.
Variant type: single nucleotide variant.
Coding change: c.9231G>A on transcript NM_001378454.1 (MANE Select); coding-DNA position 9231, G replaced by A.
Protein change: p.Ala3077=; no amino-acid change (alanine 3077 retained).
Molecular consequence: synonymous variant.
Genome position (GRCh38, 1-based): chr2:73,491,190, G>A. VCF-style: chr2-73491190-G-A. GRCh37 (hg19) VCF-style: chr2-73718317-G-A.
Other names: c.9234G>A, p.Ala3078= (NM_015120.4).
Identifiers: ClinVar variation 1121299 (VCV001121299.21), dbSNP rs1328459312, ClinGen allele CA427015549.

ClinVar aggregate classification (germline): Likely benign. Review status: criteria provided, multiple submitters, no conflicts (2 of 4 stars). 6 submissions from 6 submitters: Likely benign (6). Last evaluated 2026-01-09.

Conditions:
Cardiovascular phenotype. Identifiers: MedGen CN230736.
Alstrom syndrome (ALMS). Identifiers: Orphanet 64, MedGen C0268425, MONDO:0008763, OMIM 203800.

Allele frequency attached by ClinVar (database versions not stated): gnomAD exomes 0.00001; gnomAD 0.00002; TOPMed 0.00002.
gnomAD v4.1: 26 of 1,614,038 alleles (0.0016%); highest among the groups gnomAD compares: African/African-American, 0.019%; no homozygotes.

Submissions (6):

Labcorp Genetics (formerly Invitae), Labcorp
Classification: Likely benign for Alstrom syndrome. Last evaluated: 2026-01-09. Review status: criteria provided, single submitter. Criteria: Invitae Variant Classification Sherloc (09022015). Collection method: clinical testing. Allele origin: germline.

CeGaT Center for Human Genetics Tuebingen
Classification: Likely benign. Last evaluated: 2025-03-01. Review status: criteria provided, single submitter. Criteria: CeGaT Center For Human Genetics Tuebingen Variant Classification Criteria Version 2. Collection method: clinical testing. Allele origin: germline. Affected: yes. Observed: 1 variant allele.
Comment: ALMS1: BP4, BP7

Blueprint Genetics
Classification: Likely benign. Last evaluated: 2023-09-14. Review status: criteria provided, single submitter. Criteria: ACMG Guidelines, 2015. Collection method: clinical testing. Allele origin: germline.

Fulgent Genetics
Classification: Likely benign for Alstrom syndrome. Last evaluated: 2022-02-19. Review status: criteria provided, single submitter. Criteria: ACMG Guidelines, 2015. Collection method: clinical testing. Allele origin: unknown.

Ambry Genetics
Classification: Likely benign for Cardiovascular phenotype. Last evaluated: 2019-07-27. Review status: criteria provided, single submitter. Criteria: Ambry Variant Classification Scheme 2023. Collection method: clinical testing. Allele origin: germline.

Breakthrough Genomics
Classification: Likely benign. Review status: criteria provided, single submitter. Criteria: ACMG Guidelines, 2015. Collection method: not provided. Allele origin: germline. Inheritance: Autosomal recessive inheritance. Affected: yes.